The following is an entry in ClinVar:

NM_005751.5(AKAP9):c.8922G>T (p.Gln2974His)

Gene: AKAP9 (A-kinase anchoring protein 9; plus strand). Cytogenetic location: 7q21.2.
Variant type: single nucleotide variant.
Coding change: c.8922G>T on transcript NM_005751.5 (MANE Select); coding-DNA position 8922, G replaced by T.
Protein change: p.Gln2974His; replaces glutamine 2974 with histidine.
Molecular consequence: missense variant.
Genome position (GRCh38, 1-based): chr7:92,085,584, G>T. VCF-style: chr7-92085584-G-T. GRCh37 (hg19) VCF-style: chr7-91714898-G-T.
Other names: c.3567G>T, p.Gln1189His (NM_001379277.1); c.8898G>T, p.Gln2966His (NM_147185.3); short protein forms Q1189H, Q2966H, Q2974H.
Identifiers: ClinVar variation 3623115 (VCV003623115.2).

ClinVar aggregate classification (germline): Uncertain significance (1 of 4 stars; one submission).

Conditions:
Long QT syndrome (LQTS). Identifiers: MedGen C0023976, MeSH D008133, MONDO:0002442. Disease mechanism: loss of function. Inheritance: Various modes of inheritance.

Submission:

Labcorp Genetics (formerly Invitae), Labcorp
Classification: Uncertain significance for Long QT syndrome. Last evaluated: 2024-05-22. Review status: criteria provided, single submitter. Criteria: Invitae Variant Classification Sherloc (09022015). Collection method: clinical testing. Allele origin: germline.
Comment: This sequence change replaces glutamine, which is neutral and polar, with histidine, which is basic and polar, at codon 2974 of the AKAP9 protein (p.Gln2974His). This variant is not present in population databases (gnomAD no frequency). This variant has not been reported in the literature in individuals affected with AKAP9-related conditions. Algorithms developed to predict the effect of missense changes on protein structure and function output the following: SIFT: "Not Available"; PolyPhen-2: "Benign"; Align-GVGD: "Not Available". The histidine amino acid residue is found in multiple mammalian species, which suggests that this missense change does not adversely affect protein function. In summary, the available evidence is currently insufficient to determine the role of this variant in disease. Therefore, it has been classified as a Variant of Uncertain Significance.